The following is an entry in ClinVar:

NM_000237.3(LPL):c.190G>A (p.Val64Met)

Gene: LPL (lipoprotein lipase; plus strand). Cytogenetic location: 8p21.3.
Variant type: single nucleotide variant.
Coding change: c.190G>A on transcript NM_000237.3 (MANE Select); coding-DNA position 190, G replaced by A.
Protein change: p.Val64Met; replaces valine 64 with methionine.
Molecular consequence: missense variant.
Genome position (GRCh38, 1-based): chr8:19,948,281, G>A. VCF-style: chr8-19948281-G-A. GRCh37 (hg19) VCF-style: chr8-19805792-G-A.
Other names: c.190G>A (NM_000237.2); short protein forms V64M.
Identifiers: ClinVar variation 1209598 (VCV001209598.5), dbSNP rs114101772, ClinGen allele CA4655338.

ClinVar aggregate classification (germline): Uncertain significance. Review status: criteria provided, multiple submitters, no conflicts (2 of 4 stars). 3 submissions from 3 submitters: Uncertain significance (3). Last evaluated 2023-03-23.

Conditions:
Hyperlipoproteinemia, type I. Also called: HYPERLIPOPROTEINEMIA, TYPE IA; LPL DEFICIENCY; Hyperlipoproteinemia type 1; Hyperchylomicro-nemia familial; Familial chylomicronemia; Hyperlipemia idiopathic Burger-Grutz type. Identifiers: Orphanet 309015, Orphanet 444490, MedGen C0023817, MONDO:0009387, OMIM 238600. Disease mechanism: loss of function.

Allele frequency attached by ClinVar (database versions not stated): 1000 Genomes Project 0.00020; 1000 Genomes Project 30x 0.00016; gnomAD exomes 0.00003; ExAC 0.00002.

Submissions (3):

GeneDx
Classification: Uncertain significance. Last evaluated: 2023-03-23. Review status: criteria provided, single submitter. Criteria: GeneDx Variant Classification Process June 2021. Collection method: clinical testing. Allele origin: germline. Affected: yes.
Comment: In silico analysis supports that this missense variant does not alter protein structure/function; This variant is associated with the following publications: (PMID: 34426522, 25966443, 33303402)

Women's Health and Genetics/Laboratory Corporation of America, LabCorp
Classification: Uncertain significance. Last evaluated: 2022-08-24. Review status: criteria provided, single submitter. Criteria: LabCorp Variant Classification Summary - May 2015. Collection method: clinical testing. Allele origin: germline.
Comment: Variant summary: LPL c.190G>A (p.Val64Met) results in a conservative amino acid change located in the Lipase domain (IPR013818) of the encoded protein sequence. Three of five in-silico tools predict a damaging effect of the variant on protein function. The variant allele was found at a frequency of 2.8e-05 in 251482 control chromosomes. The available data on variant occurrences in the general population are insufficient to allow any conclusion about variant significance. c.190G>A has been reported in the literature as a compound heterozygous genotype in at-least one individual affected with moderate hypertriglyceridemia (example, Rabacchi_2015). These data do not allow any conclusion about variant significance. To our knowledge, no experimental evidence demonstrating an impact on protein function has been reported. One clinical diagnostic laboratory has submitted clinical-significance assessments for this variant to ClinVar after 2014 without evidence for independent evaluation and classified the variant as uncertain significance. Based on the evidence outlined above, the variant was classified as uncertain significance.

Genome-Nilou Lab
Classification: Uncertain significance for Hyperlipoproteinemia, type I. Last evaluated: 2021-07-14. Review status: criteria provided, single submitter. Criteria: ACMG Guidelines, 2015. Collection method: clinical testing. Allele origin: germline. Affected: no.

Literature cited by the submitters: PubMed 25966443 (cited by Women's Health and Genetics/Laboratory Corporation of America, LabCorp); PubMed 33303402 (cited by Women's Health and Genetics/Laboratory Corporation of America, LabCorp).